The following is an entry in ClinVar:

NM_173630.4(RTTN):c.2764T>C (p.Ser922Pro)

Gene: RTTN (rotatin; minus strand). Cytogenetic location: 18q22.2.
Variant type: single nucleotide variant.
Coding change: c.2764T>C on transcript NM_173630.4 (MANE Select); coding-DNA position 2764, T replaced by C.
Protein change: p.Ser922Pro; replaces serine 922 with proline.
Molecular consequence: missense variant.
Genome position (GRCh38, 1-based): chr18:70,139,623, A>G on the plus strand (T>C on the coding strand, the complement: RTTN is on the minus strand). VCF-style: chr18-70139623-A-G. GRCh37 (hg19) VCF-style: chr18-67806859-A-G.
Other names: c.28T>C, p.Ser10Pro (NM_001318520.2); short protein forms S10P, S922P.
Identifiers: ClinVar variation 3363705 (VCV003363705.1).

ClinVar aggregate classification (germline): Uncertain significance (1 of 4 stars; one submission).

Submission:

GeneDx
Classification: Uncertain significance. Last evaluated: 2023-11-09. Review status: criteria provided, single submitter. Criteria: GeneDx Variant Classification Process June 2021. Collection method: clinical testing. Allele origin: germline. Affected: yes.
Comment: Not observed at significant frequency in large population cohorts (gnomAD); In silico analysis supports that this missense variant does not alter protein structure/function; Has not been previously published as pathogenic or benign to our knowledge